The following is an entry in ClinVar:

NM_005228.5(EGFR):c.2247A>C (p.Glu749Asp)

Gene: EGFR (epidermal growth factor receptor; plus strand). Cytogenetic location: 7p11.2.
Variant type: single nucleotide variant.
Coding change: c.2247A>C on transcript NM_005228.5 (MANE Select); coding-DNA position 2247, A replaced by C.
Protein change: p.Glu749Asp; replaces glutamic acid 749 with aspartic acid.
Molecular consequence: missense variant.
Genome position (GRCh38, 1-based): chr7:55,174,784, A>C. VCF-style: chr7-55174784-A-C. GRCh37 (hg19) VCF-style: chr7-55242477-A-C.
Other names: c.2112A>C, p.Glu704Asp (NM_001346897.2, NM_001346899.2); c.2247A>C, p.Glu749Asp (NM_001346898.2); c.2088A>C, p.Glu696Asp (NM_001346900.2); c.1446A>C, p.Glu482Asp (NM_001346941.2); short protein forms E749D, E696D, E704D, E482D.
Identifiers: ClinVar variation 3651739 (VCV003651739.2).

ClinVar aggregate classification (germline): Uncertain significance (1 of 4 stars; one submission).

Conditions:
EGFR-related lung cancer (EGFR). Identifiers: MedGen CN130014.

gnomAD v4.1: 1 of 1,614,136 alleles (0.000062%); highest among the groups gnomAD compares: Non-Finnish European, 0.000085%; no homozygotes.

Submission:

Labcorp Genetics (formerly Invitae), Labcorp
Classification: Uncertain significance for EGFR-related lung cancer. Last evaluated: 2024-05-01. Review status: criteria provided, single submitter. Criteria: Invitae Variant Classification Sherloc (09022015). Collection method: clinical testing. Allele origin: germline.
Comment: This sequence change replaces glutamic acid, which is acidic and polar, with aspartic acid, which is acidic and polar, at codon 749 of the EGFR protein (p.Glu749Asp). This variant is not present in population databases (gnomAD no frequency). This variant has not been reported in the literature in individuals affected with EGFR-related conditions. An algorithm developed to predict the effect of missense changes on protein structure and function (PolyPhen-2) suggests that this variant is likely to be tolerated. In summary, the available evidence is currently insufficient to determine the role of this variant in disease. Therefore, it has been classified as a Variant of Uncertain Significance.